The following is an entry in ClinVar:

ClinVar aggregate classification (germline): Uncertain significance. Review status: criteria provided, multiple submitters, no conflicts (2 of 4 stars). 2 submissions from 2 submitters: Uncertain significance (2). Last evaluated 2025-08-24.

Allele frequency attached by ClinVar (database versions not stated): TOPMed 0.00001; gnomAD exomes 0.00002 and 0.00003; ExAC 0.00003; gnomAD 0.00003; ESP Exome Variant Server 0.00008.
gnomAD v4.1: 47 of 1,612,438 alleles (0.0029%); highest among the groups gnomAD compares: Non-Finnish European, 0.0038%; no homozygotes.

Submissions (2):

Ambry Genetics
Classification: Uncertain significance. Last evaluated: 2025-08-24. Review status: criteria provided, single submitter. Criteria: Ambry Variant Classification Scheme 2023. Collection method: clinical testing. Allele origin: germline.

Laboratory for Molecular Medicine, Mass General Brigham Personalized Medicine
Classification: Uncertain significance. Last evaluated: 2017-04-10. Review status: criteria provided, single submitter. Criteria: LMM Criteria. Collection method: clinical testing. Allele origin: germline. Observed: 1 variant allele.
Comment: Variant classified as Uncertain Significance - Favor Benign. The p.Glu5654Gln va riant in MUC5B has not been previously reported in individuals with cardiomyopat hy, but has been identified in 4/63298 European chromosomes by the Exome Aggrega tion Consortium (ExAC; dbSNP rs375272740). Gluta mic acid (Glu) at position 5654 is not conserved in mammals or evolutionarily di stant species and 2 mammals (hedgehog and wallaby) carry a glutamine (Gln) at th is position, raising the possibility that this change may be tolerated. Addition al computational prediction tools support that the p.Glu5654Gln variant may not impact the protein, though this information is not predictive enough to rule out pathogenicity. In summary, while the clinical significance of the p.Glu5654Gln variant is uncertain, these data suggest that it is more likely to be benign.

NM_002458.3(MUC5B):c.16960G>C (p.Glu5654Gln)

Gene: MUC5B (mucin 5B, oligomeric mucus/gel-forming; plus strand). Cytogenetic location: 11p15.5.
Variant type: single nucleotide variant.
Coding change: c.16960G>C on transcript NM_002458.3 (MANE Select); coding-DNA position 16960, G replaced by C.
Protein change: p.Glu5654Gln; replaces glutamic acid 5654 with glutamine.
Molecular consequence: missense variant.
Genome position (GRCh38, 1-based): chr11:1,260,387, G>C. VCF-style: chr11-1260387-G-C. GRCh37 (hg19) VCF-style: chr11-1281617-G-C.
Other names: short protein forms E5654Q.
Identifiers: ClinVar variation 504737 (VCV000504737.5), dbSNP rs375272740, ClinGen allele CA5809599.